The following is an entry in ClinVar:

ClinVar aggregate classification (germline): Uncertain significance (1 of 4 stars; one submission).

Submission:

Women's Health and Genetics/Laboratory Corporation of America, LabCorp
Classification: Uncertain significance. Last evaluated: 2025-04-02. Review status: criteria provided, single submitter. Criteria: LabCorp Variant Classification Summary - May 2015. Collection method: clinical testing. Allele origin: germline.
Comment: Variant summary: ELF4 c.1262C>G (p.Thr421Arg) results in a non-conservative amino acid change in the encoded protein sequence. Four of five in-silico tools predict a damaging effect of the variant on protein function. The variant was absent in 182325 control chromosomes. The available data on variant occurrences in the general population are insufficient to allow any conclusion about variant significance. To our knowledge, no occurrence of c.1262C>G in individuals affected with Autoinflammatory syndrome, familial, X-linked, Behcet-like 2 and no experimental evidence demonstrating its impact on protein function have been reported. No submitters have cited clinical-significance assessments for this variant to ClinVar. Based on the evidence outlined above, the variant was classified as uncertain significance.

NM_001421.4(ELF4):c.1262C>G (p.Thr421Arg)

Gene: ELF4 (E74 like ETS transcription factor 4; minus strand). Cytogenetic location: Xq26.1.
Variant type: single nucleotide variant.
Coding change: c.1262C>G on transcript NM_001421.4 (MANE Select); coding-DNA position 1262, C replaced by G.
Protein change: p.Thr421Arg; replaces threonine 421 with arginine.
Molecular consequence: missense variant.
Genome position (GRCh38, 1-based): chrX:130,067,451, G>C on the plus strand (C>G on the coding strand, the complement: ELF4 is on the minus strand). VCF-style: chrX-130067451-G-C. GRCh37 (hg19) VCF-style: chrX-129201426-G-C.
Other names: c.1262C>G, p.Thr421Arg (NM_001127197.2); short protein forms T421R.
Identifiers: ClinVar variation 3896544 (VCV003896544.2).